The following is an entry in ClinVar:

NM_012099.3(POLR1G):c.312A>G (p.Gly104=)

Genes: ERCC1 (ERCC excision repair 1, endonuclease non-catalytic subunit; minus strand), POLR1G (RNA polymerase I subunit G; plus strand). Cytogenetic location: 19q13.32.
Variant type: single nucleotide variant.
Coding change: c.312A>G on transcript NM_012099.3 (MANE Select); coding-DNA position 312, A replaced by G.
Protein change: p.Gly104=; no amino-acid change (glycine 104 retained).
Molecular consequence: synonymous variant. On other transcripts: 3 prime UTR variant (10).
Genome position (GRCh38, 1-based): chr19:45,408,280, A>G. VCF-style: chr19-45408280-A-G. GRCh37 (hg19) VCF-style: chr19-45911538-A-G.
Other names: c.318A>G, p.Gly106= (NM_001297590.3); c.*1395T>C (NM_001166049.2, NM_001369412.1, NM_001369413.1 and 7 more transcripts).
Identifiers: ClinVar variation 3388065 (VCV003388065.14).

ClinVar aggregate classification (germline): Likely benign (1 of 4 stars; one submission).

gnomAD v4.1: 114 of 1,613,708 alleles (0.0071%); highest among the groups gnomAD compares: Non-Finnish European, 0.0095%; no homozygotes.

Submission:

CeGaT Center for Human Genetics Tuebingen
Classification: Likely benign. Last evaluated: 2026-05-01. Review status: criteria provided, single submitter. Criteria: CeGaT Center For Human Genetics Tuebingen Variant Classification Criteria Version 2. Collection method: clinical testing. Allele origin: germline. Affected: yes. Observed: 3 variant alleles.
Comment: POLR1G: BP4, BP7